The following is an entry in ClinVar:

ClinVar aggregate classification (germline): Uncertain significance (1 of 4 stars; one submission).

Conditions:
Developmental and epileptic encephalopathy, 24 (DEE24). Also called: Epileptic encephalopathy, early infantile, 24. Identifiers: Orphanet 442835, MedGen C4014531, MONDO:0014377, OMIM 615871.

Submission:

Foundation for Research in Genetics and Endocrinology, FRIGE's Institute of Human Genetics
Classification: Uncertain significance for Developmental and epileptic encephalopathy, 24. Last evaluated: 2021-09-16. Review status: criteria provided, single submitter. Criteria: ACMG Guidelines, 2015. Collection method: clinical testing. Allele origin: germline. Inheritance: Autosomal dominant inheritance. Affected: yes. Observed: 1 heterozygote.
Comment: A heterozygous missense variation in exon 3 of the HCN1 gene that results in the amino acid substitution of Tyrosine for Histidine at codon 310 was detected. The observed variant c.928C>T (p.His310Tyr) has not been reported in the 1000 genomes and gnomAD database. The in silico prediction of the variant is damaging by Polphen, SIFT, DANN, FATHMM, CADD and MetaDome. The reference codon is conserved across species. In summary, the variant meets our criteria to be classified as a variant of uncertain significance.

NM_021072.4(HCN1):c.928C>T (p.His310Tyr)

Gene: HCN1 (hyperpolarization activated cyclic nucleotide gated potassium channel 1; minus strand). Cytogenetic location: 5p12.
Variant type: single nucleotide variant.
Coding change: c.928C>T on transcript NM_021072.4 (MANE Select); coding-DNA position 928, C replaced by T.
Protein change: p.His310Tyr; replaces histidine 310 with tyrosine.
Molecular consequence: missense variant.
Genome position (GRCh38, 1-based): chr5:45,461,929, G>A on the plus strand (C>T on the coding strand, the complement: HCN1 is on the minus strand). VCF-style: chr5-45461929-G-A. GRCh37 (hg19) VCF-style: chr5-45462031-G-A.
Other names: p.His310Tyr; short protein forms H310Y.
Identifiers: ClinVar variation 1342851 (VCV001342851.4), dbSNP rs2111627182, ClinGen allele CA359704938.